The following is an entry in ClinVar:

ClinVar aggregate classification (germline): Uncertain significance (1 of 4 stars; one submission).

gnomAD v4.1: 2 of 1,614,144 alleles (0.00012%); highest among the groups gnomAD compares: South Asian, 0.0022%; no homozygotes.

Submission:

Women's Health and Genetics/Laboratory Corporation of America, LabCorp
Classification: Uncertain significance. Last evaluated: 2025-12-10. Review status: criteria provided, single submitter. Criteria: LabCorp Variant Classification Summary - May 2015. Collection method: clinical testing. Allele origin: germline.
Comment: Variant summary: ARG1 c.682C>G (p.His228Asp) results in a non-conservative amino acid change in the encoded protein sequence. Algorithms developed to predict the effect of missense changes on protein structure and function all suggest that this variant is likely to be disruptive. The variant was absent in 251364 control chromosomes. The available data on variant occurrences in the general population are insufficient to allow any conclusion about variant significance. c.682C>G has been observed in individual(s) affected with Arginase Deficiency (example: Diez-Fernandez_2018). These report(s) do not provide unequivocal conclusions about association of the variant with Arginase Deficiency. To our knowledge, no experimental evidence demonstrating an impact on protein function has been reported. The following publication has been ascertained in the context of this evaluation (PMID: 29726057). No submitters have cited clinical-significance assessments for this variant to ClinVar. Based on the evidence outlined above, the variant was classified as uncertain significance.

Literature cited by the submitters: PubMed 29726057.

NM_000045.4(ARG1):c.682C>G (p.His228Asp)

Genes: ARG1 (arginase 1; plus strand), MED23 (mediator complex subunit 23; minus strand). Cytogenetic location: 6q23.2.
Variant type: single nucleotide variant.
Coding change: c.682C>G on transcript NM_000045.4 (MANE Select); coding-DNA position 682, C replaced by G.
Protein change: p.His228Asp; replaces histidine 228 with aspartic acid.
Molecular consequence: missense variant. On other transcripts: non-coding transcript variant (1), intron variant (2).
Genome position (GRCh38, 1-based): chr6:131,583,371, C>G. VCF-style: chr6-131583371-C-G. GRCh37 (hg19) VCF-style: chr6-131904511-C-G.
Other names: c.706C>G, p.His236Asp (NM_001244438.2); c.427C>G, p.His143Asp (NM_001369020.1); c.4077+4338G>C (NM_001270521.2); c.4095+4338G>C (NM_015979.4); short protein forms H143D, H228D, H236D.
Identifiers: ClinVar variation 4688423 (VCV004688423.1).
Genomic context (GRCh38, chr6:131,583,371, plus strand): 5'-AAGCCATCAACCTTAAACTGAAATCCTTTCCCACTTCTTAAAAGAAAGAAAAGGCCAATT[C>G]ATCTAAGTTTTGATGTTGACGGACTGGACCCATCTTTCACACCAGCTACTGGCACACCAG-3'
Protein context (NP_000036.2, residues 218-238): YLLGRKKRPI[His228Asp]LSFDVDGLDP